The following is an entry in ClinVar:

ClinVar aggregate classification (germline): Uncertain significance. Review status: criteria provided, multiple submitters, no conflicts (2 of 4 stars). 7 submissions from 7 submitters: Uncertain significance (6). 1 of the submissions does not count toward it. Last evaluated 2024-06-11.

Conditions:
Spermatogenic failure 46. Identifiers: MedGen C5436799, MONDO:0033673, OMIM 619095.
DNAH8-related disorder. Also called: DNAH8-related condition.
Primary ciliary dyskinesia. Also called: Ciliary dyskinesia. Identifiers: Orphanet 244, MedGen C0008780, MONDO:0016575, HP:0012265.

Allele frequency attached by ClinVar (database versions not stated): gnomAD exomes 0.00005 and 0.00020; gnomAD 0.00009; ExAC 0.00012; TOPMed 0.00023.
gnomAD v4.1: 82 of 1,562,082 alleles (0.0052%); highest among the groups gnomAD compares: Admixed American, 0.14%; no homozygotes.

Submissions (7):

Fulgent Genetics
Classification: Uncertain significance for Spermatogenic failure 46. Last evaluated: 2024-06-11. Review status: criteria provided, single submitter. Criteria: ACMG Guidelines, 2015. Collection method: clinical testing. Allele origin: germline.

Mayo Clinic Laboratories, Mayo Clinic
Classification: Uncertain significance. Last evaluated: 2024-06-10. Review status: criteria provided, single submitter. Criteria: ACMG Guidelines, 2015. Collection method: clinical testing. Allele origin: germline. Observed: 1 variant allele.
Comment: BP4

Blueprint Genetics
Classification: Uncertain significance. Last evaluated: 2024-03-06. Review status: criteria provided, single submitter. Criteria: ACMG Guidelines, 2015. Collection method: clinical testing. Allele origin: germline.

Labcorp Genetics (formerly Invitae), Labcorp
Classification: Uncertain significance for Primary ciliary dyskinesia. Last evaluated: 2024-01-12. Review status: criteria provided, single submitter. Criteria: Invitae Variant Classification Sherloc (09022015). Collection method: clinical testing. Allele origin: germline.
Comment: This sequence change replaces aspartic acid, which is acidic and polar, with glutamic acid, which is acidic and polar, at codon 1043 of the DNAH8 protein (p.Asp1043Glu). This variant is present in population databases (rs573755164, gnomAD 0.2%). This variant has not been reported in the literature in individuals affected with DNAH8-related conditions. ClinVar contains an entry for this variant (Variation ID: 454566). Algorithms developed to predict the effect of missense changes on protein structure and function output the following: SIFT: "Not Available"; PolyPhen-2: "Not Available"; Align-GVGD: "Not Available". The glutamic acid amino acid residue is found in multiple mammalian species, which suggests that this missense change does not adversely affect protein function. In summary, the available evidence is currently insufficient to determine the role of this variant in disease. Therefore, it has been classified as a Variant of Uncertain Significance.

Ambry Genetics
Classification: Uncertain significance. Last evaluated: 2021-07-14. Review status: criteria provided, single submitter. Criteria: Ambry Variant Classification Scheme 2023. Collection method: clinical testing. Allele origin: germline.

Revvity Omics, Revvity
Classification: Uncertain significance for Spermatogenic failure 46. Last evaluated: 2020-06-29. Review status: criteria provided, single submitter. Criteria: ACMG Guidelines, 2015. Collection method: clinical testing. Allele origin: germline.

PreventionGenetics, part of Exact Sciences
Classification: Likely benign for DNAH8-related condition. Last evaluated: 2023-02-13. Review status: no assertion criteria provided. Collection method: clinical testing. Allele origin: germline. Not counted in ClinVar's aggregate classification.
Comment: This variant is classified as likely benign based on ACMG/AMP sequence variant interpretation guidelines (Richards et al. 2015 PMID: 25741868, with internal and published modifications).

NM_001206927.2(DNAH8):c.3129T>A (p.Asp1043Glu)

Gene: DNAH8 (dynein axonemal heavy chain 8; plus strand). Cytogenetic location: 6p21.2.
Variant type: single nucleotide variant.
Coding change: c.3129T>A on transcript NM_001206927.2 (MANE Select); coding-DNA position 3129, T replaced by A.
Protein change: p.Asp1043Glu; replaces aspartic acid 1043 with glutamic acid.
Molecular consequence: missense variant.
Genome position (GRCh38, 1-based): chr6:38,805,575, T>A. VCF-style: chr6-38805575-T-A. GRCh37 (hg19) VCF-style: chr6-38773351-T-A.
Other names: p.Asp1043Glu; c.2478T>A, p.Asp826Glu (NM_001371.4); short protein forms D1043E, D826E.
Identifiers: ClinVar variation 454566 (VCV000454566.17), dbSNP rs573755164, ClinGen allele CA3788730.